The following is an entry in ClinVar:

NM_001128225.3(SLC39A13):c.571G>A (p.Ala191Thr)

Gene: SLC39A13 (solute carrier family 39 member 13; plus strand). Cytogenetic location: 11p11.2.
Variant type: single nucleotide variant.
Coding change: c.571G>A on transcript NM_001128225.3 (MANE Select); coding-DNA position 571, G replaced by A.
Protein change: p.Ala191Thr; replaces alanine 191 with threonine.
Molecular consequence: missense variant. On other transcripts: non-coding transcript variant (1).
Genome position (GRCh38, 1-based): chr11:47,413,433, G>A. VCF-style: chr11-47413433-G-A. GRCh37 (hg19) VCF-style: chr11-47434984-G-A.
Other names: c.571G>A, p.Ala191Thr (NM_001330245.2, NM_152264.5); short protein forms A191T.
Identifiers: ClinVar variation 391481 (VCV000391481.10), dbSNP rs138998777, ClinGen allele CA5975826.

ClinVar aggregate classification (germline): Conflicting classifications of pathogenicity. Review status: criteria provided, conflicting classifications (1 of 4 stars). 4 submissions from 4 submitters: Uncertain significance (2); Likely benign (2). Last evaluated 2026-02-02.

Conditions:
SLC39A13-related disorder. Also called: SLC39A13-related condition.
Inborn genetic diseases. Identifiers: MedGen C0950123, MeSH D030342.
Ehlers-Danlos syndrome, spondylodysplastic type, 3. Also called: Ehlers-Danlos syndrome, spondylocheirodysplastic type. Identifiers: Orphanet 157965, MedGen C2676510, MONDO:0012873, OMIM 612350.

Allele frequency attached by ClinVar (database versions not stated): gnomAD exomes 0.00009 and 0.00012; ExAC 0.00013; ESP Exome Variant Server 0.00038; TOPMed 0.00054; gnomAD 0.00056 and 0.00061.

Submissions (4):

PreventionGenetics, part of Exact Sciences
Classification: Likely benign for SLC39A13-related condition. Last evaluated: 2026-02-02. Review status: criteria provided, single submitter. Criteria: ACMG Guidelines, 2015. Collection method: clinical testing. Allele origin: germline.
Comment: This variant is classified as likely benign based on ACMG/AMP sequence variant interpretation guidelines (Richards et al. 2015 PMID: 25741868, with internal and published modifications).

GeneDx
Classification: Uncertain significance. Last evaluated: 2024-10-22. Review status: criteria provided, single submitter. Criteria: GeneDx Variant Classification Process June 2021. Collection method: clinical testing. Allele origin: germline. Affected: yes.
Comment: Has not been previously published as pathogenic or benign to our knowledge; In silico analysis indicates that this missense variant does not alter protein structure/function

Ambry Genetics
Classification: Likely benign for Inborn genetic diseases. Last evaluated: 2022-09-06. Review status: criteria provided, single submitter. Criteria: Ambry Variant Classification Scheme 2023. Collection method: clinical testing. Allele origin: germline.

Labcorp Genetics (formerly Invitae), Labcorp
Classification: Uncertain significance for Ehlers-Danlos syndrome, spondylodysplastic type, 3. Last evaluated: 2022-08-19. Review status: criteria provided, single submitter. Criteria: Invitae Variant Classification Sherloc (09022015). Collection method: clinical testing. Allele origin: germline.
Comment: This sequence change replaces alanine, which is neutral and non-polar, with threonine, which is neutral and polar, at codon 191 of the SLC39A13 protein (p.Ala191Thr). This variant is present in population databases (rs138998777, gnomAD 0.2%). This variant has not been reported in the literature in individuals affected with SLC39A13-related conditions. ClinVar contains an entry for this variant (Variation ID: 391481). Algorithms developed to predict the effect of missense changes on protein structure and function output the following: SIFT: "Tolerated"; PolyPhen-2: "Benign"; Align-GVGD: "Class C0". The threonine amino acid residue is found in multiple mammalian species, which suggests that this missense change does not adversely affect protein function. In summary, the available evidence is currently insufficient to determine the role of this variant in disease. Therefore, it has been classified as a Variant of Uncertain Significance.